The following is an entry in ClinVar:

ClinVar aggregate classification (germline): Uncertain significance. Review status: criteria provided, multiple submitters, no conflicts (2 of 4 stars). 2 submissions from 2 submitters: Uncertain significance (2). Last evaluated 2025-06-12.

Conditions:
Inborn genetic diseases. Identifiers: MedGen C0950123, MeSH D030342.

Allele frequency attached by ClinVar (database versions not stated): ExAC 0.00002.

Submissions (2):

Ambry Genetics
Classification: Uncertain significance for Inborn genetic diseases. Last evaluated: 2025-06-12. Review status: criteria provided, single submitter. Criteria: Ambry Variant Classification Scheme 2023. Collection method: clinical testing. Allele origin: germline.

Labcorp Genetics (formerly Invitae), Labcorp
Classification: Uncertain significance. Last evaluated: 2022-07-03. Review status: criteria provided, single submitter. Criteria: Invitae Variant Classification Sherloc (09022015). Collection method: clinical testing. Allele origin: germline.
Comment: This sequence change replaces leucine, which is neutral and non-polar, with phenylalanine, which is neutral and non-polar, at codon 4807 of the PCLO protein (p.Leu4807Phe). The frequency data for this variant in the population databases is considered unreliable, as metrics indicate poor data quality at this position in the gnomAD database. This variant has not been reported in the literature in individuals affected with PCLO-related conditions. Algorithms developed to predict the effect of missense changes on protein structure and function are either unavailable or do not agree on the potential impact of this missense change (SIFT: "Deleterious"; PolyPhen-2: "Not Available"; Align-GVGD: "Class C0"). In summary, the available evidence is currently insufficient to determine the role of this variant in disease. Therefore, it has been classified as a Variant of Uncertain Significance.

NM_033026.6(PCLO):c.14421G>T (p.Leu4807Phe)

Gene: PCLO (piccolo presynaptic cytomatrix protein; minus strand). Cytogenetic location: 7q21.11.
Variant type: single nucleotide variant.
Coding change: c.14421G>T on transcript NM_033026.6 (MANE Select); coding-DNA position 14421, G replaced by T.
Protein change: p.Leu4807Phe; replaces leucine 4807 with phenylalanine.
Molecular consequence: missense variant.
Genome position (GRCh38, 1-based): chr7:82,824,411, C>A on the plus strand (G>T on the coding strand, the complement: PCLO is on the minus strand). VCF-style: chr7-82824411-C-A. GRCh37 (hg19) VCF-style: chr7-82453727-C-A.
Other names: c.14421G>T, p.Leu4807Phe (NM_014510.3); c.14421G>T (NM_033026.5); short protein forms L4807F.
Identifiers: ClinVar variation 1908359 (VCV001908359.3), dbSNP rs752934172, ClinGen allele CA4318805.
Genomic context (GRCh38, chr7:82,824,411, plus strand): 5'-TTCTTTGAGAGGATACCACCTTGGAGTGTTATCGAGGTGAGATGTGCTAGATAAATCAAT[C>A]AATACCTGAAAAAAAGTGTAACAAATAAATGAAATTTAGGGACTAAAGTATAATTGATTC-3'
Protein context (NP_149015.2, residues 4797-4817): FSSNDFLGEV[Leu4807Phe]IDLSSTSHLD